The following is an entry in ClinVar:

NM_003000.3(SDHB):c.780dup (p.Lys261fs)

Gene: SDHB (succinate dehydrogenase complex iron sulfur subunit B; minus strand). Cytogenetic location: 1p36.13.
Variant type: Duplication.
Coding change: c.780dup on transcript NM_003000.3 (MANE Select); coding-DNA position 780, one base duplicated (G; older notation c.780dupG).
Protein change: p.Lys261fs; shifts the reading frame from lysine 261.
Molecular consequence: frameshift variant.
Genome position (GRCh38, 1-based): chr1:17,018,944, C duplicated on the plus strand (G on the coding strand, the reverse complement: SDHB is on the minus strand); the first of 3 consecutive C bases (chr1:17,018,944-17,018,946); duplicating any one gives the same sequence. VCF-style (leftmost placement, unchanged base first): chr1-17018943-T-TC. GRCh37 (hg19) VCF-style: chr1-17345438-T-TC.
Other names: c.780dupG (NM_003000.2); short protein forms K261fs.
Identifiers: ClinVar variation 576131 (VCV000576131.9), dbSNP rs1557738304, ClinGen allele CA891842426.
Genomic context (GRCh38, chr1:17,018,943, plus strand): 5'-AAACTGAAGCTTTCTTCTCCTTATAGGTTGCCATCATTTTCTTGATCTCTGCAATAGCTT[T>TC]CCCTGGATTCAGACCCTTGAAAAAAGAGAAAAGAATCAATAACAAATGATAACTGAAACT-3'

ClinVar aggregate classification (germline): Likely pathogenic. Review status: criteria provided, multiple submitters, no conflicts (2 of 4 stars). 2 submissions from 2 submitters: Likely pathogenic (2). Last evaluated 2025-05-29.

Conditions:
Hereditary cancer-predisposing syndrome. Also called: Hereditary Cancer Syndrome; Tumor predisposition; Neoplastic Syndromes, Hereditary; Hereditary neoplastic syndrome. Identifiers: Orphanet 140162, MedGen C0027672, MeSH D009386, MONDO:0015356.
Pheochromocytoma. Also called: MAX-Related Hereditary Paraganglioma-Pheochromocytoma Syndrome. Identifiers: Orphanet 29072, MedGen C0031511, MONDO:0008233, OMIM 171300, HP:0002666.
Pheochromocytoma/paraganglioma syndrome 4. Also called: PARAGANGLIOMA, FAMILIAL MALIGNANT; PARAGANGLIOMAS, HEREDITARY EXTRAADRENAL; PHEOCHROMOCYTOMA, FAMILIAL EXTRAADRENAL; SDHB-Related Hereditary Paraganglioma-Pheochromocytoma Syndrome (Paragangliomas 4); CAROTID BODY TUMORS AND MULTIPLE EXTRAADRENAL PHEOCHROMOCYTOMAS; SDHB-Related Hereditary Paraganglioma-Pheochromocytoma Syndrome. Identifiers: Orphanet 29072, MedGen C1861848, MONDO:0007273, OMIM 115310.
Gastrointestinal stromal tumor. Also called: Gastrointestinal stromal tumor, somatic; Gastrointestinal stroma tumor. Identifiers: Orphanet 44890, MedGen C0238198, MeSH D046152, MONDO:0011719, OMIM 606764, HP:0100723.

Submissions (2):

Ambry Genetics
Classification: Likely pathogenic for Hereditary cancer-predisposing syndrome. Last evaluated: 2025-05-29. Review status: criteria provided, single submitter. Criteria: Ambry Variant Classification Scheme 2023. Collection method: clinical testing. Allele origin: germline.
Comment: The c.780dupG variant, located in coding exon 8 of the SDHB gene, results from a duplication of G at nucleotide position 780, causing a translational frameshift with a predicted alternate stop codon (p.K261Efs*14). This alteration occurs at the 3' terminus of theSDHB gene, is not expected to trigger nonsense-mediated mRNA decay, and only impacts the last 20 amino acids of the protein. However, premature stop codons are typically deleterious in nature and the impacted region is critical for protein function (Ambry internal data). This variant was reported in individual(s) with features consistent with SDHB-related hereditary pheochromocytoma-paraganglioma (Ambry internal data). This variant is considered to be rare based on population cohorts in the Genome Aggregation Database (gnomAD). Based on the majority of available evidence to date, this variant is likely to be pathogenic.

Labcorp Genetics (formerly Invitae), Labcorp
Classification: Likely pathogenic for Gastrointestinal stromal tumor; Pheochromocytoma/paraganglioma syndrome 4; Pheochromocytoma. Last evaluated: 2023-05-02. Review status: criteria provided, single submitter. Criteria: Invitae Variant Classification Sherloc (09022015). Collection method: clinical testing. Allele origin: germline.
Comment: This sequence change creates a premature translational stop signal (p.Lys261Glufs*14) in the SDHB gene. While this is not anticipated to result in nonsense mediated decay, it is expected to disrupt the last 20 amino acid(s) of the SDHB protein. This variant is not present in population databases (gnomAD no frequency). This variant has not been reported in the literature in individuals affected with SDHB-related conditions. ClinVar contains an entry for this variant (Variation ID: 576131). This variant disrupts the C-terminus of the SDHB protein. Other variant(s) that disrupt this region (p.Ile263Tyrfs*12, p.Ile263Serfs*13) have been observed in individuals with SDHB-related conditions (Invitae). This suggests that this may be a clinically significant region of the protein. In summary, the currently available evidence indicates that the variant is pathogenic, but additional data are needed to prove that conclusively. Therefore, this variant has been classified as Likely Pathogenic.